The following is an entry in ClinVar:

NM_014363.6(SACS):c.10810G>T (p.Ala3604Ser)

Gene: SACS (sacsin molecular chaperone; minus strand). Cytogenetic location: 13q12.12.
Variant type: single nucleotide variant.
Coding change: c.10810G>T on transcript NM_014363.6 (MANE Select); coding-DNA position 10810, G replaced by T.
Protein change: p.Ala3604Ser; replaces alanine 3604 with serine.
Molecular consequence: missense variant.
Genome position (GRCh38, 1-based): chr13:23,333,066, C>A on the plus strand (G>T on the coding strand, the complement: SACS is on the minus strand). VCF-style: chr13-23333066-C-A. GRCh37 (hg19) VCF-style: chr13-23907205-C-A.
Other names: c.10369G>T, p.Ala3457Ser (NM_001278055.2); c.10810G>T (NM_014363.4); short protein forms A3457S, A3604S.
Identifiers: ClinVar variation 3907075 (VCV003907075.2).
Genomic context (GRCh38, chr13:23,333,066, plus strand): 5'-TATTTTGCAATGTTTCTTTGGACCAGTTTTCTGTATTAGCCCTCACACTGATTTCCTTAG[C>A]AAACTGTAACAACTGCTGCTGAGAAAGTATGTATTTTAGTCCAATATTTCTTAAGAATTC-3'
Protein context (NP_055178.3, residues 3594-3614): ILSQQQLLQF[Ala3604Ser]KEISVRANTE

ClinVar aggregate classification (germline): Uncertain significance. Review status: criteria provided, multiple submitters, no conflicts (2 of 4 stars). 2 submissions from 2 submitters: Uncertain significance (2). Last evaluated 2025-11-20.

Conditions:
Inborn genetic diseases. Identifiers: MedGen C0950123, MeSH D030342.

gnomAD v4.1: 50 of 1,613,928 alleles (0.0031%); highest among the groups gnomAD compares: Non-Finnish European, 0.0042%; no homozygotes.

Submissions (2):

Ambry Genetics
Classification: Uncertain significance for Inborn genetic diseases. Last evaluated: 2025-11-20. Review status: criteria provided, single submitter. Criteria: Ambry Variant Classification Scheme 2023. Collection method: clinical testing. Allele origin: germline.

Women's Health and Genetics/Laboratory Corporation of America, LabCorp
Classification: Uncertain significance. Last evaluated: 2025-06-17. Review status: criteria provided, single submitter. Criteria: LabCorp Variant Classification Summary - May 2015. Collection method: clinical testing. Allele origin: germline.
Comment: Variant summary: SACS c.10810G>T (p.Ala3604Ser) results in a conservative amino acid change in the encoded protein sequence. Algorithms developed to predict the effect of missense changes on protein structure and function are either unavailable or do not agree on the potential impact of this missense change. The variant was absent in 250948 control chromosomes. The available data on variant occurrences in the general population are insufficient to allow any conclusion about variant significance. To our knowledge, no occurrence of c.10810G>T in individuals affected with Charlevoix-Saguenay spastic ataxia and no experimental evidence demonstrating its impact on protein function have been reported. No submitters have cited clinical-significance assessments for this variant to ClinVar. Based on the evidence outlined above, the variant was classified as uncertain significance.